The following is an entry in ClinVar:

NM_014804.3(KIAA0753):c.811G>A (p.Val271Ile)

Gene: KIAA0753 (KIAA0753; minus strand). Cytogenetic location: 17p13.1.
Variant type: single nucleotide variant.
Coding change: c.811G>A on transcript NM_014804.3 (MANE Select); coding-DNA position 811, G replaced by A.
Protein change: p.Val271Ile; replaces valine 271 with isoleucine.
Molecular consequence: missense variant. On other transcripts: 5 prime UTR variant (1), non-coding transcript variant (1).
Genome position (GRCh38, 1-based): chr17:6,624,769, C>T on the plus strand (G>A on the coding strand, the complement: KIAA0753 is on the minus strand). VCF-style: chr17-6624769-C-T. GRCh37 (hg19) VCF-style: chr17-6528089-C-T.
Other names: c.-424G>A (NM_001351225.2); c.811G>A (NM_014804.2); short protein forms V271I.
Identifiers: ClinVar variation 1991771 (VCV001991771.3), dbSNP rs148231003, ClinGen allele CA8330697.

ClinVar aggregate classification (germline): Uncertain significance. Review status: criteria provided, multiple submitters, no conflicts (2 of 4 stars). 2 submissions from 2 submitters: Uncertain significance (2). Last evaluated 2025-08-23.

Conditions:
Inborn genetic diseases. Identifiers: MedGen C0950123, MeSH D030342.

Allele frequency attached by ClinVar (database versions not stated): ExAC 0.00004; 1000 Genomes Project 30x 0.00016; 1000 Genomes Project 0.00020.
gnomAD v4.1: 67 of 1,558,648 alleles (0.0043%); highest among the groups gnomAD compares: East Asian, 0.05%; no homozygotes.

Submissions (2):

Ambry Genetics
Classification: Uncertain significance for Inborn genetic diseases. Last evaluated: 2025-08-23. Review status: criteria provided, single submitter. Criteria: Ambry Variant Classification Scheme 2023. Collection method: clinical testing. Allele origin: germline.

Labcorp Genetics (formerly Invitae), Labcorp
Classification: Uncertain significance. Last evaluated: 2023-12-11. Review status: criteria provided, single submitter. Criteria: Invitae Variant Classification Sherloc (09022015). Collection method: clinical testing. Allele origin: germline.
Comment: This sequence change replaces valine, which is neutral and non-polar, with isoleucine, which is neutral and non-polar, at codon 271 of the KIAA0753 protein (p.Val271Ile). This variant is present in population databases (rs148231003, gnomAD 0.04%). This variant has not been reported in the literature in individuals affected with KIAA0753-related conditions. ClinVar contains an entry for this variant (Variation ID: 1991771). An algorithm developed to predict the effect of missense changes on protein structure and function (PolyPhen-2) suggests that this variant is likely to be disruptive. In summary, the available evidence is currently insufficient to determine the role of this variant in disease. Therefore, it has been classified as a Variant of Uncertain Significance.